The following is an entry in ClinVar:

ClinVar aggregate classification (germline): Likely pathogenic (1 of 4 stars; one submission).

Submission:

Labcorp Genetics (formerly Invitae), Labcorp
Classification: Likely pathogenic. Last evaluated: 2025-02-10. Review status: criteria provided, single submitter. Criteria: Invitae Variant Classification Sherloc (09022015). Collection method: clinical testing. Allele origin: germline.
Comment: This sequence change affects a splice site in intron 4 of the FLAD1 gene. It is expected to disrupt RNA splicing. Variants that disrupt the donor or acceptor splice site typically lead to a loss of protein function (PMID: 16199547), and loss-of-function variants in FLAD1 are known to be pathogenic (PMID: 27259049). This variant is not present in population databases (gnomAD no frequency). This variant has not been reported in the literature in individuals affected with FLAD1-related conditions. Algorithms developed to predict the effect of sequence changes on RNA splicing suggest that this variant may disrupt the consensus splice site. In summary, the currently available evidence indicates that the variant is pathogenic, but additional data are needed to prove that conclusively. Therefore, this variant has been classified as Likely Pathogenic.

Literature cited by the submitters: PubMed 16199547; PubMed 27259049.

NM_025207.5(FLAD1):c.1364+1_1364+3del

Gene: FLAD1 (flavin adenine dinucleotide synthetase 1; plus strand). Cytogenetic location: 1q21.3.
Variant type: Deletion.
Coding change: c.1364+1_1364+3del on transcript NM_025207.5 (MANE Select); the canonical splice donor site of the intron after coding-DNA position 1364 through 3 bases into the intron after coding-DNA position 1364, 3 bases deleted (GTA; older notation c.1364+1_1364+3delGTA).
Molecular consequence: splice donor variant.
Genome position (GRCh38, 1-based): chr1:154,990,258-154,990,260, GTA deleted. VCF-style (leftmost placement, unchanged base first): chr1-154990257-GGTA-G. GRCh37 (hg19) VCF-style: chr1-154962733-GGTA-G.
Other names: c.1073+1_1073+3del (NM_001184891.2, NM_201398.3).
Identifiers: ClinVar variation 3651086 (VCV003651086.2).
Genomic context (GRCh38, chr1:154,990,257, plus strand): 5'-ATATCCGCAGCATCTCCCCTTTCCCTGAGCTGGAACAGTTTCTACAGGACACTATCAAGA[GGTA>G]CTAGGGGCCTGGAGGTTTGGGCTCCAAGAGAAGCTTGACAGAGCCCACGCCCGACCCCTA-3'